The following is an entry in ClinVar:

ClinVar aggregate classification (germline): Uncertain significance (1 of 4 stars; one submission).

Conditions:
Long QT syndrome (LQTS). Identifiers: MedGen C0023976, MeSH D008133, MONDO:0002442. Disease mechanism: loss of function. Inheritance: Various modes of inheritance.

Submission:

Labcorp Genetics (formerly Invitae), Labcorp
Classification: Uncertain significance for Long QT syndrome. Last evaluated: 2024-04-25. Review status: criteria provided, single submitter. Criteria: Invitae Variant Classification Sherloc (09022015). Collection method: clinical testing. Allele origin: germline.
Comment: This sequence change replaces lysine, which is basic and polar, with glutamic acid, which is acidic and polar, at codon 1173 of the AKAP9 protein (p.Lys1173Glu). This variant is not present in population databases (gnomAD no frequency). This variant has not been reported in the literature in individuals affected with AKAP9-related conditions. ClinVar contains an entry for this variant (Variation ID: 1001540). An algorithm developed to predict the effect of missense changes on protein structure and function (PolyPhen-2) suggests that this variant is likely to be disruptive. In summary, the available evidence is currently insufficient to determine the role of this variant in disease. Therefore, it has been classified as a Variant of Uncertain Significance.

NM_005751.5(AKAP9):c.3517A>G (p.Lys1173Glu)

Gene: AKAP9 (A-kinase anchoring protein 9; plus strand). Cytogenetic location: 7q21.2.
Variant type: single nucleotide variant.
Coding change: c.3517A>G on transcript NM_005751.5 (MANE Select); coding-DNA position 3517, A replaced by G.
Protein change: p.Lys1173Glu; replaces lysine 1173 with glutamic acid.
Molecular consequence: missense variant.
Genome position (GRCh38, 1-based): chr7:92,012,627, A>G. VCF-style: chr7-92012627-A-G. GRCh37 (hg19) VCF-style: chr7-91641941-A-G.
Other names: c.3517A>G, p.Lys1173Glu (NM_147185.3); short protein forms K1173E.
Identifiers: ClinVar variation 1001540 (VCV001001540.8), dbSNP rs1800909715, ClinGen allele CA368126181.